The following is an entry in ClinVar:

ClinVar aggregate classification (germline): Uncertain significance (1 of 4 stars; one submission).

Conditions:
T-B+ severe combined immunodeficiency due to JAK3 deficiency. Also called: SCID, autosomal recessive, T-negative/B-positive type; SCID, T CELL-NEGATIVE, B CELL-POSITIVE, NK CELL-NEGATIVE. Identifiers: Orphanet 35078, MedGen C1833275, MONDO:0010938, OMIM 600802.

Allele frequency attached by ClinVar (database versions not stated): gnomAD exomes below 0.00001.
gnomAD v4.1: 1 of 1,611,528 alleles (0.000062%); highest among the groups gnomAD compares: Non-Finnish European, 0.000085%; no homozygotes.

Submission:

Labcorp Genetics (formerly Invitae), Labcorp
Classification: Uncertain significance for T-B+ severe combined immunodeficiency due to JAK3 deficiency. Last evaluated: 2022-01-01. Review status: criteria provided, single submitter. Criteria: Invitae Variant Classification Sherloc (09022015). Collection method: clinical testing. Allele origin: germline.
Comment: In summary, the available evidence is currently insufficient to determine the role of this variant in disease. Therefore, it has been classified as a Variant of Uncertain Significance. Advanced modeling of protein sequence and biophysical properties (such as structural, functional, and spatial information, amino acid conservation, physicochemical variation, residue mobility, and thermodynamic stability) performed at Invitae indicates that this missense variant is expected to disrupt JAK3 protein function. This variant has not been reported in the literature in individuals affected with JAK3-related conditions. This variant is not present in population databases (gnomAD no frequency). This sequence change replaces leucine, which is neutral and non-polar, with proline, which is neutral and non-polar, at codon 956 of the JAK3 protein (p.Leu956Pro).

NM_000215.4(JAK3):c.2867T>C (p.Leu956Pro)

Gene: JAK3 (Janus kinase 3; minus strand). Cytogenetic location: 19p13.11.
Variant type: single nucleotide variant.
Coding change: c.2867T>C on transcript NM_000215.4 (MANE Select); coding-DNA position 2867, T replaced by C.
Protein change: p.Leu956Pro; replaces leucine 956 with proline.
Molecular consequence: missense variant.
Genome position (GRCh38, 1-based): chr19:17,831,339, A>G on the plus strand (T>C on the coding strand, the complement: JAK3 is on the minus strand). VCF-style: chr19-17831339-A-G. GRCh37 (hg19) VCF-style: chr19-17942148-A-G.
Other names: short protein forms L956P.
Identifiers: ClinVar variation 2072084 (VCV002072084.4), dbSNP rs2514546370, ClinGen allele CA404765379.